The following is an entry in ClinVar:

ClinVar aggregate classification (germline): Uncertain significance (1 of 4 stars; one submission).

gnomAD v4.1: 6 of 1,612,572 alleles (0.00037%); highest among the groups gnomAD compares: Admixed American, 0.0067%; no homozygotes.

Submission:

Labcorp Genetics (formerly Invitae), Labcorp
Classification: Uncertain significance. Last evaluated: 2025-11-14. Review status: criteria provided, single submitter. Criteria: Invitae Variant Classification Sherloc (09022015). Collection method: clinical testing. Allele origin: germline.
Comment: This sequence change falls in intron 1 of the ARHGEF1 gene. It does not directly change the encoded amino acid sequence of the ARHGEF1 protein. It affects a nucleotide within the consensus splice site. This variant is not present in population databases (gnomAD no frequency). This variant has not been reported in the literature in individuals affected with ARHGEF1-related conditions. Variants that disrupt the consensus splice site are a relatively common cause of aberrant splicing (PMID: 17576681, 9536098). Algorithms developed to predict the effect of sequence changes on RNA splicing suggest that this variant is not likely to affect RNA splicing. In summary, the available evidence is currently insufficient to determine the role of this variant in disease. Therefore, it has been classified as a Variant of Uncertain Significance.

Literature cited by the submitters: PubMed 17576681; PubMed 9536098.

NM_004706.4(ARHGEF1):c.-19-3C>T

Gene: ARHGEF1 (Rho guanine nucleotide exchange factor 1; plus strand). Cytogenetic location: 19q13.2.
Variant type: single nucleotide variant.
Coding change: c.-19-3C>T on transcript NM_004706.4 (MANE Select); 3 bases into the intron before 19 bases upstream of the start codon, C replaced by T.
Molecular consequence: intron variant.
Genome position (GRCh38, 1-based): chr19:41,888,061, C>T. VCF-style: chr19-41888061-C-T. GRCh37 (hg19) VCF-style: chr19-42392132-C-T.
Other names: c.-19-3C>T (NM_001396003.1, NM_001396002.1, NM_001396000.1 and 3 more transcripts); c.27-3C>T (NM_199002.2).
Identifiers: ClinVar variation 4695255 (VCV004695255.1).